The following is an entry in ClinVar:

NM_000321.3(RB1):c.1050-9G>T

Gene: RB1 (RB transcriptional corepressor 1; plus strand). Cytogenetic location: 13q14.2.
Variant type: single nucleotide variant.
Coding change: c.1050-9G>T on transcript NM_000321.3 (MANE Select); 9 bases into the intron before coding-DNA position 1050, G replaced by T.
Molecular consequence: intron variant.
Genome position (GRCh38, 1-based): chr13:48,368,518, G>T. VCF-style: chr13-48368518-G-T. GRCh37 (hg19) VCF-style: chr13-48942654-G-T.
Other names: c.1050-9G>T (NM_001407166.1, NM_001407165.1).
Identifiers: ClinVar variation 4875909 (VCV004875909.1).

ClinVar aggregate classification (germline): Likely benign (1 of 4 stars; one submission).

Conditions:
Retinoblastoma (RB1). Also called: RETINOBLASTOMA, SOMATIC. Identifiers: Orphanet 790, MedGen C0035335, MeSH D012175, MONDO:0008380, OMIM 180200, HP:0009919. Disease mechanism: loss of function. Inheritance: Both sporadic and heritable forms are tested..

Submission:

Myriad Genetics, Inc.
Classification: Likely benign for Retinoblastoma. Last evaluated: 2026-06-18. Review status: criteria provided, single submitter. Criteria: Myriad Autosomal Dominant, Autosomal Recessive and X-Linked Classification Criteria (2023). Collection method: clinical testing. Allele origin: unknown.
Comment: This variant is considered likely benign. This variant is intronic and is not expected to impact mRNA splicing.